The following is an entry in ClinVar:

ClinVar aggregate classification (germline): Uncertain significance. Review status: criteria provided, multiple submitters, no conflicts (2 of 4 stars). 4 submissions from 4 submitters: Uncertain significance (4). Last evaluated 2025-09-04.

Conditions:
Hereditary cancer-predisposing syndrome. Also called: Tumor predisposition; Hereditary neoplastic syndrome; Neoplastic Syndromes, Hereditary; Hereditary Cancer Syndrome. Identifiers: Orphanet 140162, MedGen C0027672, MeSH D009386, MONDO:0015356.
Ataxia-telangiectasia syndrome (AT). Also called: Ataxia-telangiectasia, complementation group D; AT, COMPLEMENTATION GROUP C; ATAXIA-TELANGIECTASIA, COMPLEMENTATION GROUP A; ATAXIA-TELANGIECTASIA, FRESNO VARIANT; Ataxia-telangiectasia; LOUIS-BAR SYNDROME. Identifiers: Orphanet 100, MedGen C0004135, MONDO:0008840, OMIM 208900.

Submissions (4):

Labcorp Genetics (formerly Invitae), Labcorp
Classification: Uncertain significance for Ataxia-telangiectasia syndrome. Last evaluated: 2025-09-04. Review status: criteria provided, single submitter. Criteria: Invitae Variant Classification Sherloc (09022015). Collection method: clinical testing. Allele origin: germline.
Comment: This sequence change replaces histidine, which is basic and polar, with arginine, which is basic and polar, at codon 2872 of the ATM protein (p.His2872Arg). This variant is not present in population databases (gnomAD no frequency). This variant has not been reported in the literature in individuals affected with ATM-related conditions. ClinVar contains an entry for this variant (Variation ID: 657289). Invitae Evidence Modeling of protein sequence and biophysical properties (such as structural, functional, and spatial information, amino acid conservation, physicochemical variation, residue mobility, and thermodynamic stability) indicates that this missense variant is expected to disrupt ATM protein function with a positive predictive value of 95%. In summary, the available evidence is currently insufficient to determine the role of this variant in disease. Therefore, it has been classified as a Variant of Uncertain Significance.

Women's Health and Genetics/Laboratory Corporation of America, LabCorp
Classification: Uncertain significance. Last evaluated: 2023-11-17. Review status: criteria provided, single submitter. Criteria: LabCorp Variant Classification Summary - May 2015. Collection method: clinical testing. Allele origin: germline.
Comment: Variant summary: ATM c.8615A>G (p.His2872Arg) results in a non-conservative amino acid change located in the Phosphatidylinositol 3-/4-kinase, catalytic domain (IPR000403) of the encoded protein sequence. Five of five in-silico tools predict a damaging effect of the variant on protein function. The variant was absent in 250350 control chromosomes. The available data on variant occurrences in the general population are insufficient to allow any conclusion about variant significance. Although observed in the literature, to our knowledge, no penetrant association of c.8615A>G in individuals affected with Ataxia-Telangiectasia and/or ATM-related cancers and no experimental evidence demonstrating its impact on protein function have been reported. Three submitters have cited clinical-significance assessments for this variant to ClinVar after 2014. All submitters classified the variant as uncertain significance. Based on the evidence outlined above, the variant was classified as uncertain significance.

Ambry Genetics
Classification: Uncertain significance for Hereditary cancer-predisposing syndrome. Last evaluated: 2023-07-14. Review status: criteria provided, single submitter. Criteria: Ambry General Variant Classification Scheme_2022. Collection method: clinical testing. Allele origin: germline.
Comment: The p.H2872R variant (also known as c.8615A>G), located in coding exon 58 of the ATM gene, results from an A to G substitution at nucleotide position 8615. The histidine at codon 2872 is replaced by arginine, an amino acid with highly similar properties. This amino acid position is highly conserved in available vertebrate species. In addition, this alteration is predicted to be deleterious by in silico analysis. Since supporting evidence is limited at this time, the clinical significance of this alteration remains unclear.

Genetic Services Laboratory, University of Chicago
Classification: Uncertain significance. Last evaluated: 2020-10-29. Review status: criteria provided, single submitter. Criteria: ACMG Guidelines, 2015. Collection method: clinical testing. Allele origin: germline. Affected: no.
Comment: DNA sequence analysis of the ATM gene demonstrated a sequence change, c.8615A>G, in exon 59 that results in an amino acid change, p.His2872Arg. This sequence change does not appear to have been previously described in patients with ATM-related disorders. This sequence change is absent in the gnomAD database. The p.His2872Arg change affects a highly conserved amino acid residue located in the PI3K domain of the ATM protein. The p.His2872Arg substitution appears to be deleterious using several in-silico pathogenicity prediction tools (SIFT, PolyPhen2, Align GVGD, REVEL). Due to these contrasting evidences and the lack of functional studies, the clinical significance of the p.His2872Arg change remains unknown at this time.

NM_000051.4(ATM):c.8615A>G (p.His2872Arg)

Genes: ATM (ATM serine/threonine kinase; plus strand), C11orf65 (chromosome 11 open reading frame 65; minus strand). Cytogenetic location: 11q22.3.
Variant type: single nucleotide variant.
Coding change: c.8615A>G on transcript NM_000051.4 (MANE Select); coding-DNA position 8615, A replaced by G.
Protein change: p.His2872Arg; replaces histidine 2872 with arginine.
Molecular consequence: missense variant. On other transcripts: intron variant (2).
Genome position (GRCh38, 1-based): chr11:108,347,309, A>G. VCF-style: chr11-108347309-A-G. GRCh37 (hg19) VCF-style: chr11-108218036-A-G.
Other names: c.8615A>G, p.His2872Arg (NM_001351834.2); c.641-38238T>C (NM_001330368.2); c.695-12017T>C (NM_001351110.2); short protein forms H2872R.
Identifiers: ClinVar variation 657289 (VCV000657289.14), dbSNP rs1591273938, ClinGen allele CA382520670.